The following is an entry in ClinVar:

NM_001006658.3(CR2):c.1966G>A (p.Val656Ile)

Gene: CR2 (complement C3d receptor 2; plus strand). Cytogenetic location: 1q32.2.
Variant type: single nucleotide variant.
Coding change: c.1966G>A on transcript NM_001006658.3 (MANE Select); coding-DNA position 1966, G replaced by A.
Protein change: p.Val656Ile; replaces valine 656 with isoleucine.
Molecular consequence: missense variant.
Genome position (GRCh38, 1-based): chr1:207,473,167, G>A. VCF-style: chr1-207473167-G-A. GRCh37 (hg19) VCF-style: chr1-207646512-G-A.
Other names: c.1966G>A, p.Val656Ile (NM_001877.5); short protein forms V656I.
Identifiers: ClinVar variation 1362353 (VCV001362353.8), dbSNP rs541574155, ClinGen allele CA1368832.

ClinVar aggregate classification (germline): Uncertain significance (1 of 4 stars; one submission).

Conditions:
Immunodeficiency, common variable, 7. Identifiers: Orphanet 1572, Orphanet 696894, MedGen C3542922, MONDO:0013862, OMIM 614699.

Allele frequency attached by ClinVar (database versions not stated): 1000 Genomes Project 30x 0.00016; gnomAD exomes below 0.00001; ExAC 0.00001; 1000 Genomes Project 0.00020; gnomAD 0.00001.
gnomAD v4.1: 5 of 1,613,802 alleles (0.00031%); highest among the groups gnomAD compares: South Asian, 0.0011%; no homozygotes.

Submission:

Labcorp Genetics (formerly Invitae), Labcorp
Classification: Uncertain significance for Immunodeficiency, common variable, 7. Last evaluated: 2023-05-15. Review status: criteria provided, single submitter. Criteria: Invitae Variant Classification Sherloc (09022015). Collection method: clinical testing. Allele origin: germline.
Comment: Algorithms developed to predict the effect of missense changes on protein structure and function output the following: SIFT: "Not Available"; PolyPhen-2: "Benign"; Align-GVGD: "Not Available". The isoleucine amino acid residue is found in multiple mammalian species, which suggests that this missense change does not adversely affect protein function. In summary, the available evidence is currently insufficient to determine the role of this variant in disease. Therefore, it has been classified as a Variant of Uncertain Significance. ClinVar contains an entry for this variant (Variation ID: 1362353). This sequence change replaces valine, which is neutral and non-polar, with isoleucine, which is neutral and non-polar, at codon 656 of the CR2 protein (p.Val656Ile). This variant has not been reported in the literature in individuals affected with CR2-related conditions. This variant is present in population databases (rs541574155, gnomAD 0.003%).